The following is an entry in ClinVar:

ClinVar aggregate classification (germline): Likely benign. Review status: reviewed by expert panel (3 of 4 stars). 11 submissions from 11 submitters: Likely benign (1). 10 of the submissions do not count toward it. Last evaluated 2025-03-27.

Conditions:
Inborn genetic diseases. Identifiers: MedGen C0950123, MeSH D030342.
Very long chain acyl-CoA dehydrogenase deficiency (ACADVLD). Also called: Very Long-Chain Acyl-Coenzyme A Dehydrogenase Deficiency; VLCAD Deficiency. Identifiers: Orphanet 26793, MedGen C3887523, MONDO:0008723, OMIM 201475.

Allele frequency attached by ClinVar (database versions not stated): gnomAD exomes 0.00039 and 0.00056; gnomAD 0.00047 and 0.00051; ExAC 0.00048; 1000 Genomes Project 0.00060; TOPMed 0.00061; 1000 Genomes Project 30x 0.00062; ESP Exome Variant Server 0.00069.
gnomAD v4.1: 655 of 1,614,112 alleles (0.041%); highest among the groups gnomAD compares: Middle Eastern, 0.25%; 1 homozygote.

Submissions (11):

ClinGen ACADVL Variant Curation Expert Panel, ClinGen
Classification: Likely benign for Very long chain acyl-CoA dehydrogenase deficiency. Last evaluated: 2025-03-27. Review status: reviewed by expert panel. Criteria: clingen acadvl acmg specifications v1. Collection method: curation. Allele origin: germline. Inheritance: Autosomal recessive inheritance.
Comment: The c.1473A>G (p.Leu491=) variant (NM_000018.3) is a synonymous (silent) variant that is not predicted by NNSplice, MaxEntScan, and SpliceAI to impact splicing. In addition, it occurs at a nucleotide that is not conserved as shown by phyloP (BP4, BP7). The highest population minor allele frequency in gnomAD v4.1 is 0.0013 in the Admixed American population (PM2_Supporting, BS1, and BA1 are not met). In summary, this variant meets the criteria to be classified as likely benign for autosomal recessive very long chain acyl-CoA dehydrogenase (VLCAD) deficiency based on the ACMG/AMP criteria applied, as specified by the ClinGen ACADVL Variant Curation Expert Panel: BP4, BP7 (ACADVL VCEP specifications version 1; approved November 9, 2021).

CeGaT Center for Human Genetics Tuebingen
Classification: Likely benign. Last evaluated: 2026-09-01. Review status: criteria provided, single submitter. Criteria: CeGaT Center For Human Genetics Tuebingen Variant Classification Criteria Version 2. Collection method: clinical testing. Allele origin: germline. Affected: yes. Observed: 4 variant alleles. Not counted in ClinVar's aggregate classification.
Comment: ACADVL: BP4, BP7

Labcorp Genetics (formerly Invitae), Labcorp
Classification: Likely benign for Very long chain acyl-CoA dehydrogenase deficiency. Last evaluated: 2026-02-02. Review status: criteria provided, single submitter. Criteria: Invitae Variant Classification Sherloc (09022015). Collection method: clinical testing. Allele origin: germline. Not counted in ClinVar's aggregate classification.

Illumina Laboratory Services, Illumina
Classification: Likely benign for Very long chain acyl-CoA dehydrogenase deficiency. Last evaluated: 2025-04-08. Review status: criteria provided, single submitter. Criteria: ICSLVariantClassificationCriteria RUGD 01 April 2020. Collection method: clinical testing. Allele origin: unknown. Not counted in ClinVar's aggregate classification.

Mayo Clinic Laboratories, Mayo Clinic
Classification: Likely benign. Last evaluated: 2025-03-05. Review status: criteria provided, single submitter. Criteria: ACMG Guidelines, 2015. Collection method: clinical testing. Allele origin: germline. Observed: 4 variant alleles. Not counted in ClinVar's aggregate classification.
Comment: BP4, BP7

Blueprint Genetics
Classification: Likely benign. Last evaluated: 2024-10-16. Review status: criteria provided, single submitter. Criteria: ACMG Guidelines, 2015. Collection method: clinical testing. Allele origin: germline. Not counted in ClinVar's aggregate classification.

Revvity Omics, Revvity
Classification: Uncertain significance for Very long chain acyl-CoA dehydrogenase deficiency. Last evaluated: 2024-08-02. Review status: criteria provided, single submitter. Criteria: ACMG Guidelines, 2015. Collection method: clinical testing. Allele origin: germline. Not counted in ClinVar's aggregate classification.

Ambry Genetics
Classification: Likely benign for Inborn genetic diseases. Last evaluated: 2022-04-11. Review status: criteria provided, single submitter. Criteria: Ambry Variant Classification Scheme 2023. Collection method: clinical testing. Allele origin: germline. Not counted in ClinVar's aggregate classification.

ARUP Laboratories, Molecular Genetics and Genomics, ARUP Laboratories
Classification: Likely benign for Very long chain acyl-CoA dehydrogenase deficiency. Last evaluated: 2018-08-09. Review status: criteria provided, single submitter. Criteria: ARUP Molecular Germline Variant Investigation Process. Collection method: clinical testing. Allele origin: germline. Not counted in ClinVar's aggregate classification.

GeneDx
Classification: Benign. Last evaluated: 2015-03-23. Review status: criteria provided, single submitter. Criteria: GeneDx Variant Classification (06012015). Collection method: clinical testing. Allele origin: germline. Affected: yes. Not counted in ClinVar's aggregate classification.
Comment: This variant is considered likely benign or benign based on one or more of the following criteria: it is a conservative change, it occurs at a poorly conserved position in the protein, it is predicted to be benign by multiple in silico algorithms, and/or has population frequency not consistent with disease.

Natera, Inc.
Classification: Likely benign for Very long chain acyl-CoA dehydrogenase deficiency. Last evaluated: 2020-02-27. Review status: no assertion criteria provided. Collection method: clinical testing. Allele origin: germline. Not counted in ClinVar's aggregate classification.

NM_000018.4(ACADVL):c.1473A>G (p.Leu491=)

Gene: ACADVL (acyl-CoA dehydrogenase very long chain; plus strand). Cytogenetic location: 17p13.1.
Variant type: single nucleotide variant.
Coding change: c.1473A>G on transcript NM_000018.4 (MANE Select); coding-DNA position 1473, A replaced by G.
Protein change: p.Leu491=; no amino-acid change (leucine 491 retained).
Molecular consequence: synonymous variant.
Genome position (GRCh38, 1-based): chr17:7,224,184, A>G. VCF-style: chr17-7224184-A-G. GRCh37 (hg19) VCF-style: chr17-7127503-A-G.
Other names: p.Leu491=; NM_000018.4(ACADVL):c.1473A>G; c.1407A>G, p.Leu469= (NM_001033859.3); c.1542A>G, p.Leu514= (NM_001270447.2); c.1245A>G, p.Leu415= (NM_001270448.2).
Identifiers: ClinVar variation 324994 (VCV000324994.68), dbSNP rs150518187, ClinGen allele CA8338126.